The following is an entry in ClinVar:

ClinVar aggregate classification (germline): Likely pathogenic (0 of 4 stars; one submission).

Conditions:
PKD1-related disorder. Also called: PKD1-related condition.

Submission:

PreventionGenetics, part of Exact Sciences
Classification: Likely pathogenic for PKD1-related condition. Last evaluated: 2024-05-14. Review status: no assertion criteria provided. Collection method: clinical testing. Allele origin: germline.
Comment: The PKD1 c.7263_7265delCAC variant is predicted to result in an in-frame deletion (p.Thr2422del). This variant has been reported to segregate with polycystic kidney disease in a family (described as c.7472-7474del3, 2421delT in McCluskey et al. 2002. PubMed ID: 11857740). In-frame small deletions in the PKD1 gene have been commonly found to be pathogenic for ADPKD (for example; Bataille et al. 2011. PubMed ID: 22008521; Neumann et al. 2013. PubMed ID: 23300259). This variant has not been reported in a large population database, indicating this variant is rare. This variant is interpreted as likely pathogenic.

NM_001009944.3(PKD1):c.7260CAC[1] (p.Thr2422del)

Gene: PKD1 (polycystin 1, transient receptor potential channel interacting; minus strand). Cytogenetic location: 16p13.3.
Variant type: Microsatellite.
Coding change: c.7260CAC[1] on transcript NM_001009944.3 (MANE Select); one copy of the 3-base unit CAC starting at c.7260; the reference has two copies in a row; one copy, 3 bases deleted.
Protein change: p.Thr2422del; deletes threonine 2422.
Molecular consequence: inframe deletion. On other transcripts: inframe indel (2).
Genome position (GRCh38, 1-based): chr16:2,106,622-2,106,624, GTG deleted on the plus strand (CAC on the coding strand, the reverse complement: PKD1 is on the minus strand); deleting any 3 consecutive bases within chr16:2,106,622-2,106,629 gives the same sequence; the position shown is the placement nearest the transcript's 3' end. VCF-style (leftmost placement, unchanged base first): chr16-2106621-TGTG-T. GRCh37 (hg19) VCF-style: chr16-2156622-TGTG-T.
Other names: c.7260CAC[1], p.Thr2422del (NM_000296.4); c.7258_7260ACC[1], p.Thr2422del (NM_001009944.2); c.7263_7265delCAC (NM_001009944.2); short protein forms T2422del.
Identifiers: ClinVar variation 3351561 (VCV003351561.1).